The following is an entry in ClinVar:

NM_005477.3(HCN4):c.1978+8A>G

Gene: HCN4 (hyperpolarization activated cyclic nucleotide gated potassium channel 4; minus strand). Cytogenetic location: 15q24.1.
Variant type: single nucleotide variant.
Coding change: c.1978+8A>G on transcript NM_005477.3 (MANE Select); 8 bases into the intron after coding-DNA position 1978, A replaced by G.
Molecular consequence: intron variant.
Genome position (GRCh38, 1-based): chr15:73,324,947, T>C on the plus strand (A>G on the coding strand, the complement: HCN4 is on the minus strand). VCF-style: chr15-73324947-T-C. GRCh37 (hg19) VCF-style: chr15-73617288-T-C.
Identifiers: ClinVar variation 386405 (VCV000386405.4), dbSNP rs1057522491, ClinGen allele CA16607871.

ClinVar aggregate classification (germline): Likely benign. Review status: criteria provided, multiple submitters, no conflicts (2 of 4 stars). 2 submissions from 2 submitters: Likely benign (2). Last evaluated 2025-07-03.

Conditions:
Brugada syndrome 8 (BRGDA8). Identifiers: Orphanet 130, MedGen C2751083, MONDO:0013148, OMIM 613123.

Allele frequency attached by ClinVar (database versions not stated): TOPMed below 0.00001; gnomAD 0.00001; gnomAD exomes 0.00001.
gnomAD v4.1: 11 of 1,613,834 alleles (0.00068%); highest among the groups gnomAD compares: Non-Finnish European, 0.00085%; no homozygotes.

Submissions (2):

Labcorp Genetics (formerly Invitae), Labcorp
Classification: Likely benign for Brugada syndrome 8. Last evaluated: 2025-07-03. Review status: criteria provided, single submitter. Criteria: Invitae Variant Classification Sherloc (09022015). Collection method: clinical testing. Allele origin: germline.

GeneDx
Classification: Likely benign. Last evaluated: 2016-05-18. Review status: criteria provided, single submitter. Criteria: GeneDx Variant Classification (06012015). Collection method: clinical testing. Allele origin: germline. Affected: yes.
Comment: This variant is considered likely benign or benign based on one or more of the following criteria: it is a conservative change, it occurs at a poorly conserved position in the protein, it is predicted to be benign by multiple in silico algorithms, and/or has population frequency not consistent with disease.